The following is an entry in ClinVar:

ClinVar aggregate classification (germline): Uncertain significance (1 of 4 stars; one submission).

Conditions:
Sulfite oxidase deficiency. Also called: Isolated sulfite oxidase deficiency. Identifiers: Orphanet 833, Orphanet 99731, MedGen C0268624, MONDO:0010089, OMIM 272300, HP:0003643.

Allele frequency attached by ClinVar (database versions not stated): gnomAD exomes below 0.00001; ExAC 0.00001; gnomAD 0.00001; 1000 Genomes Project 30x 0.00016; 1000 Genomes Project 0.00020.
gnomAD v4.1: 3 of 1,614,066 alleles (0.00019%); highest among the groups gnomAD compares: Admixed American, 0.005%; no homozygotes.

Submission:

Labcorp Genetics (formerly Invitae), Labcorp
Classification: Uncertain significance for Sulfite oxidase deficiency. Last evaluated: 2021-08-30. Review status: criteria provided, single submitter. Criteria: Invitae Variant Classification Sherloc (09022015). Collection method: clinical testing. Allele origin: germline.
Comment: This sequence change replaces isoleucine with threonine at codon 445 of the SUOX protein (p.Ile445Thr). The isoleucine residue is moderately conserved and there is a moderate physicochemical difference between isoleucine and threonine. This variant is present in population databases (rs536072138, ExAC 0.009%). This variant has not been reported in the literature in individuals affected with SUOX-related conditions. Algorithms developed to predict the effect of missense changes on protein structure and function are either unavailable or do not agree on the potential impact of this missense change (SIFT: "Deleterious"; PolyPhen-2: "Benign"; Align-GVGD: "Class C0"). In summary, the available evidence is currently insufficient to determine the role of this variant in disease. Therefore, it has been classified as a Variant of Uncertain Significance.

NM_001032386.2(SUOX):c.1334T>C (p.Ile445Thr)

Gene: SUOX (sulfite oxidase; plus strand). Cytogenetic location: 12q13.2.
Variant type: single nucleotide variant.
Coding change: c.1334T>C on transcript NM_001032386.2 (MANE Select); coding-DNA position 1334, T replaced by C.
Protein change: p.Ile445Thr; replaces isoleucine 445 with threonine.
Molecular consequence: missense variant.
Genome position (GRCh38, 1-based): chr12:56,004,723, T>C. VCF-style: chr12-56004723-T-C. GRCh37 (hg19) VCF-style: chr12-56398507-T-C.
Other names: c.1334T>C, p.Ile445Thr (NM_001032387.2, NM_000456.3); short protein forms I445T.
Identifiers: ClinVar variation 1401734 (VCV001401734.6), dbSNP rs536072138, ClinGen allele CA6621158.